The following is an entry in ClinVar:

NM_005236.3(ERCC4):c.4G>C (p.Glu2Gln)

Genes: ERCC4 (ERCC excision repair 4, endonuclease catalytic subunit; plus strand), LOC130058543 (ATAC-STARR-seq lymphoblastoid active region 10486; plus strand). Cytogenetic location: 16p13.12.
Variant type: single nucleotide variant.
Coding change: c.4G>C on transcript NM_005236.3 (MANE Select); coding-DNA position 4, G replaced by C.
Protein change: p.Glu2Gln; replaces glutamic acid 2 with glutamine.
Molecular consequence: missense variant.
Genome position (GRCh38, 1-based): chr16:13,920,169, G>C. VCF-style: chr16-13920169-G-C. GRCh37 (hg19) VCF-style: chr16-14014026-G-C.
Other names: short protein forms E2Q.
Identifiers: ClinVar variation 947999 (VCV000947999.10), dbSNP rs373789508, ClinGen allele CA394815748.

ClinVar aggregate classification (germline): Uncertain significance (1 of 4 stars; one submission).

Conditions:
Fanconi anemia complementation group Q. Identifiers: Orphanet 84, MedGen C3808988, MONDO:0014108, OMIM 615272.
Xeroderma pigmentosum, group F (XPF). Also called: XERODERMA PIGMENTOSUM, COMPLEMENTATION GROUP F; ERCC4-Related Xeroderma Pigmentosum; XERODERMA PIGMENTOSUM VI; XP, GROUP F; XERODERMA PIGMENTOSUM, TYPE F; Xeroderma pigmentosum, type 6. Identifiers: MedGen C0268140, MONDO:0010215, OMIM 278760.
Cockayne syndrome. Identifiers: Orphanet 191, MedGen C0009207, MONDO:0016006.

Submission:

Labcorp Genetics (formerly Invitae), Labcorp
Classification: Uncertain significance for Fanconi anemia complementation group Q; Xeroderma pigmentosum, group F; Cockayne syndrome. Last evaluated: 2019-07-23. Review status: criteria provided, single submitter. Criteria: Invitae Variant Classification Sherloc (09022015). Collection method: clinical testing. Allele origin: germline.
Comment: In summary, the available evidence is currently insufficient to determine the role of this variant in disease. Therefore, it has been classified as a Variant of Uncertain Significance. Algorithms developed to predict the effect of missense changes on protein structure and function are either unavailable or do not agree on the potential impact of this missense change (SIFT: "Deleterious"; PolyPhen-2: "Benign"; Align-GVGD: "Class C0"). This variant has not been reported in the literature in individuals with ERCC4-related conditions. This variant is not present in population databases (ExAC no frequency). This sequence change replaces glutamic acid with glutamine at codon 2 of the ERCC4 protein (p.Glu2Gln). The glutamic acid residue is moderately conserved and there is a small physicochemical difference between glutamic acid and glutamine.